The following is an entry in ClinVar:

NM_016239.4(MYO15A):c.8319C>T (p.Phe2773=)

Gene: MYO15A (myosin XVA; plus strand). Cytogenetic location: 17p11.2.
Variant type: single nucleotide variant.
Coding change: c.8319C>T on transcript NM_016239.4 (MANE Select); coding-DNA position 8319, C replaced by T.
Protein change: p.Phe2773=; no amino-acid change (phenylalanine 2773 retained).
Molecular consequence: synonymous variant.
Genome position (GRCh38, 1-based): chr17:18,155,204, C>T. VCF-style: chr17-18155204-C-T. GRCh37 (hg19) VCF-style: chr17-18058518-C-T.
Identifiers: ClinVar variation 2647545 (VCV002647545.24), dbSNP rs2545297654, ClinGen allele CA498203335.

ClinVar aggregate classification (germline): Likely benign (1 of 4 stars; one submission).

Allele frequency attached by ClinVar (database versions not stated): gnomAD exomes 0.00001.
gnomAD v4.1: 13 of 1,613,914 alleles (0.00081%); highest among the groups gnomAD compares: Non-Finnish European, 0.0011%; no homozygotes.

Submission:

CeGaT Center for Human Genetics Tuebingen
Classification: Likely benign. Last evaluated: 2022-05-01. Review status: criteria provided, single submitter. Criteria: CeGaT Center For Human Genetics Tuebingen Variant Classification Criteria Version 2. Collection method: clinical testing. Allele origin: germline. Affected: yes. Observed: 1 variant allele.
Comment: MYO15A: PM2:Supporting, BP4, BP7